The following is an entry in ClinVar:

Single allele

Variant type: Deletion.
Identifiers: ClinVar variation 157121 (VCV000157121.2).

ClinVar aggregate classification (germline): not provided (0 of 4 stars; one submission).

Conditions:
Large for gestational age. Identifiers: MedGen C1848395, HP:0001520.

Submission:

Institute of Molecular and Cell Biology, University of Tartu
No classification provided. Condition: Large for gestational age. Review status: no classification provided. Collection method: case-control. Allele origin: unknown. Affected: yes. Study: Kasak2014.
Comment: The study aimed to determine the contribution of copy number variants in the genetic etiology of normal and complicated pregnancies. The samples represented (i) maternal blood DNA drawn from healthy pregnant women during 1st or 2nd trimester and (ii) maternal and paternal blood DNA drawn at term pregnancy cases representing normal and complicated gestations (severe preeclampsia, PE; gestational diabetes, GD; small-for-gestational age newborn, SGA; large-for-gestational age newborn, LGA). We performed CNV calling based on genome-wide genotyping dataset (Illumina HumanOmniExpress-24-v1 BeadChip) by applying three algorithms, QuantiSNP, GADA (Genome Alteration Detection Algorithm) and CNstream in parallel. The acquired CNV calls were merged with HD-CNV (Hotspot Detector for Copy Number Variants) program and only the CNVs predicted by at least two programs, were considered in subsequent analysis.

Literature cited by the submitters: PubMed 25666259.